The following is an entry in ClinVar:

ClinVar aggregate classification (germline): Likely benign. Review status: criteria provided, multiple submitters, no conflicts (2 of 4 stars). 2 submissions from 2 submitters: Likely benign (2). Last evaluated 2020-07-15.

Allele frequency attached by ClinVar (database versions not stated): ESP Exome Variant Server 0.00016; TOPMed 0.00033; 1000 Genomes Project 0.00060; 1000 Genomes Project 30x 0.00062.
gnomAD v4.1: 145 of 1,613,912 alleles (0.009%); highest among the groups gnomAD compares: African/African-American, 0.13%; 1 homozygote.

Submissions (2):

GeneDx
Classification: Likely benign. Last evaluated: 2020-07-15. Review status: criteria provided, single submitter. Criteria: GeneDx Variant Classification Process June 2021. Collection method: clinical testing. Allele origin: germline. Affected: yes.

Laboratory for Molecular Medicine, Mass General Brigham Personalized Medicine
Classification: Likely benign. Last evaluated: 2016-05-05. Review status: criteria provided, single submitter. Criteria: LMM Criteria. Collection method: clinical testing. Allele origin: germline. Observed: 2 variant alleles.
Comment: p.Arg386Gln in Exon 8 of SYNE4: This variant is not expected to have clinical si gnificance due to a lack of conservation across species, including mammals. Of n ote, seven mammals have a Glutamine (Gln) at this position despite high nearby a mino acid conservation. In addition, computational prediction tools do not sugge st a high likelihood of impact to the protein. This variant has been identified in 0.12% (11/9554) of African chromosomes by the chromosomes by the Exome Aggreg ation Consortium (ExAC; dbSNP rs200818193).

NM_001039876.3(SYNE4):c.1157G>A (p.Arg386Gln)

Gene: SYNE4 (spectrin repeat containing nuclear envelope family member 4; minus strand). Cytogenetic location: 19q13.12.
Variant type: single nucleotide variant.
Coding change: c.1157G>A on transcript NM_001039876.3 (MANE Select); coding-DNA position 1157, G replaced by A.
Protein change: p.Arg386Gln; replaces arginine 386 with glutamine.
Molecular consequence: missense variant.
Genome position (GRCh38, 1-based): chr19:36,003,395, C>T on the plus strand (G>A on the coding strand, the complement: SYNE4 is on the minus strand). VCF-style: chr19-36003395-C-T. GRCh37 (hg19) VCF-style: chr19-36494297-C-T.
Other names: c.818G>A, p.Arg273Gln (NM_001297735.3); short protein forms R386Q, R273Q.
Identifiers: ClinVar variation 504860 (VCV000504860.7), dbSNP rs200818193, ClinGen allele CA9393737.